The following is an entry in ClinVar:

NM_004817.4(TJP2):c.2209G>A (p.Gly737Ser)

Gene: TJP2 (tight junction protein 2; plus strand). Cytogenetic location: 9q21.11.
Variant type: single nucleotide variant.
Coding change: c.2209G>A on transcript NM_004817.4 (MANE Select); coding-DNA position 2209, G replaced by A.
Protein change: p.Gly737Ser; replaces glycine 737 with serine.
Molecular consequence: missense variant.
Genome position (GRCh38, 1-based): chr9:69,237,907, G>A. VCF-style: chr9-69237907-G-A. GRCh37 (hg19) VCF-style: chr9-71852823-G-A.
Other names: c.2140G>A, p.Gly714Ser (NM_001170414.2, NM_001369871.1); c.2221G>A, p.Gly741Ser (NM_001170415.1, NM_001369874.1, NM_001369875.1); c.2302G>A, p.Gly768Ser (NM_001170416.2); c.2134G>A, p.Gly712Ser (NM_001369870.1); c.2209G>A, p.Gly737Ser (NM_001369872.1, NM_001369873.1, NM_201629.3); short protein forms G712S, G714S, G737S, G741S, G768S.
Identifiers: ClinVar variation 805838 (VCV000805838.5), dbSNP rs139314808, ClinGen allele CA5073609.
Genomic context (GRCh38, chr9:69,237,907, plus strand): 5'-TATGCTTTAATGGCCTTTCTTGTCATTTCAGCTGGTTTCAAGAGACCTGTGGTCTTATTC[G>A]GCCCCATAGCTGATATAGCAATGGAAAAATTGGCTAATGAGTTACCTGACTGGTTTCAAA-3'
Protein context (NP_004808.2, residues 727-747): AGFKRPVVLF[Gly737Ser]PIADIAMEKL

ClinVar aggregate classification (germline): Pathogenic/Likely pathogenic. Review status: criteria provided, multiple submitters, no conflicts (2 of 4 stars). 3 submissions from 3 submitters: Pathogenic (1); Likely pathogenic (2). Last evaluated 2022-03-28.

Conditions:
Melnick-Fraser syndrome (BOR). Also called: Branchiootorenal syndrome; Branchio-oto-renal syndrome; Branchiootorenal Syndrome (BORS). Identifiers: Orphanet 107, MedGen C0265234, MONDO:0007029.
TJP2-related disorder. Also called: TJP2-related condition.
Cholestasis, progressive familial intrahepatic, 4. Identifiers: Orphanet 480483, Orphanet 79304, MedGen C2931067, MONDO:0014381, OMIM 615878.

Allele frequency attached by ClinVar (database versions not stated): ExAC 0.00001; gnomAD exomes 0.00001 and 0.00002; gnomAD 0.00002; TOPMed 0.00003; ESP Exome Variant Server 0.00008.

Submissions (3):

Blueprint Genetics
Classification: Likely pathogenic for TJP2-related disorders. Last evaluated: 2022-03-28. Review status: criteria provided, single submitter. Criteria: ACMG Guidelines, 2015. Collection method: clinical testing. Allele origin: germline. Affected: yes. Observed: 1 variant allele.

Department of Otolaryngology – Head & Neck Surgery, Cochlear Implant Center
Classification: Likely pathogenic for Melnick-Fraser syndrome. Last evaluated: 2021-04-12. Review status: criteria provided, single submitter. Criteria: ClinGen HL ACMG Specifications v1. Collection method: clinical testing. Allele origin: germline. Affected: yes.
Comment: PS1_Strong, PM2_Moderate

The Center for Pediatric Liver Diseases, Children’s Hospital of Fudan University
Classification: Pathogenic for Cholestasis, progressive familial intrahepatic, 4. Last evaluated: 2019-10-15. Review status: criteria provided, single submitter. Criteria: ACMG Guidelines, 2015. Collection method: clinical testing, in vitro. Allele origin: somatic. Affected: yes.